The following is an entry in ClinVar:

NM_001197104.2(KMT2A):c.432+10689A>G

Gene: KMT2A (lysine methyltransferase 2A; plus strand). Cytogenetic location: 11q23.3.
Variant type: single nucleotide variant.
Coding change: c.432+10689A>G on transcript NM_001197104.2 (MANE Select); 10689 bases into the intron after coding-DNA position 432, A replaced by G.
Molecular consequence: intron variant.
Genome position (GRCh38, 1-based): chr11:118,447,633, A>G. VCF-style: chr11-118447633-A-G. GRCh37 (hg19) VCF-style: chr11-118318348-A-G.
Other names: c.531+8511A>G (NM_001412597.1); c.432+10689A>G (NM_005933.4).
Identifiers: ClinVar variation 3388088 (VCV003388088.14).
Genomic context (GRCh38, chr11:118,447,633, plus strand): 5'-ATAATACTTAGCACTGATCATCCCCTTACTTGAGTGTTGTTTCCATTTCTAGGTTCCTCA[A>G]CTTAAAAGGGATGAGGAGACCTTGGAGACGGTTCTGAGGAGACTCAAAAGATGATTATAT-3'

ClinVar aggregate classification (germline): Likely benign (1 of 4 stars; one submission).

Submission:

CeGaT Center for Human Genetics Tuebingen
Classification: Likely benign. Last evaluated: 2026-04-01. Review status: criteria provided, single submitter. Criteria: CeGaT Center For Human Genetics Tuebingen Variant Classification Criteria Version 2. Collection method: clinical testing. Allele origin: germline. Affected: yes. Observed: 2 variant alleles.
Comment: ENSG00000285827: BS2